The following is an entry in ClinVar:

ClinVar aggregate classification (germline): Likely pathogenic (0 of 4 stars; one submission).

Conditions:
Autosomal recessive nonsyndromic hearing loss 7. Also called: DEAFNESS, AUTOSOMAL RECESSIVE 11. Identifiers: Orphanet 90636, MedGen C1832978, MONDO:0010967, OMIM 600974.

Submission:

Wenzhou Key Laboratory of Reproduction and Genetics, First Affiliated Hospital of Wenzhou Medical University
Classification: Likely pathogenic for Autosomal recessive nonsyndromic hearing loss 7. Last evaluated: 2024-06-06. Review status: no assertion criteria provided. Collection method: clinical testing. Allele origin: germline. Inheritance: Autosomal recessive inheritance. Affected: yes. Observed: 1 compound heterozygote.
Comment: Observed in a single family in association with hearing loss; Nonsense variant predicted to result in protein truncation or nonsense mediated decay in a gene for which loss-of-function is a known mechanism of disease; Not observed in large population studies.

NM_138691.3(TMC1):c.732C>G (p.Tyr244Ter)

Gene: TMC1 (transmembrane channel like 1; plus strand). Cytogenetic location: 9q21.13.
Variant type: single nucleotide variant.
Coding change: c.732C>G on transcript NM_138691.3 (MANE Select); coding-DNA position 732, C replaced by G.
Protein change: p.Tyr244Ter; replaces tyrosine 244 with a stop codon.
Molecular consequence: nonsense.
Genome position (GRCh38, 1-based): chr9:72,754,875, C>G. VCF-style: chr9-72754875-C-G. GRCh37 (hg19) VCF-style: chr9-75369791-C-G.
Other names: short protein forms Y244*.
Identifiers: ClinVar variation 3242569 (VCV003242569.2).